The following is an entry in ClinVar:

ClinVar aggregate classification (germline): Uncertain significance (1 of 4 stars; one submission).

Allele frequency attached by ClinVar (database versions not stated): gnomAD exomes below 0.00001; TOPMed 0.00001.

Submission:

Labcorp Genetics (formerly Invitae), Labcorp
Classification: Uncertain significance. Last evaluated: 2022-09-06. Review status: criteria provided, single submitter. Criteria: Invitae Variant Classification Sherloc (09022015). Collection method: clinical testing. Allele origin: germline.
Comment: In summary, the available evidence is currently insufficient to determine the role of this variant in disease. Therefore, it has been classified as a Variant of Uncertain Significance. Algorithms developed to predict the effect of missense changes on protein structure and function (SIFT, PolyPhen-2, Align-GVGD) all suggest that this variant is likely to be disruptive. This variant has not been reported in the literature in individuals affected with NYX-related conditions. This variant is present in population databases (no rsID available, gnomAD 0.02%). This sequence change replaces proline, which is neutral and non-polar, with glutamine, which is neutral and polar, at codon 86 of the NYX protein (p.Pro86Gln).

NM_001378477.3(NYX):c.242C>A (p.Pro81Gln)

Gene: NYX (nyctalopin; plus strand). Cytogenetic location: Xp11.4.
Variant type: single nucleotide variant.
Coding change: c.242C>A on transcript NM_001378477.3 (MANE Select); coding-DNA position 242, C replaced by A.
Protein change: p.Pro81Gln; replaces proline 81 with glutamine.
Molecular consequence: missense variant.
Genome position (GRCh38, 1-based): chrX:41,473,710, C>A. VCF-style: chrX-41473710-C-A. GRCh37 (hg19) VCF-style: chrX-41332963-C-A.
Other names: c.242C>A, p.Pro81Gln (NM_022567.3); short protein forms P81Q.
Identifiers: ClinVar variation 1930544 (VCV001930544.5), dbSNP rs770413717, ClinGen allele CA412989693.
Genomic context (GRCh38, chrX:41,473,710, plus strand): 5'-CCATCGACCTGGACCGGAACGGCCTGCGCTTCCTGGGCGAGCGAGCCTTCGGCACGCTGC[C>A]GTCCTTGCGCCGCCTGTCGCTGCGCCACAACAACCTGTCCTTCATCACGCCCGGCGCCTT-3'
Protein context (NP_001365406.2, residues 71-91): FLGERAFGTL[Pro81Gln]SLRRLSLRHN